The following is an entry in ClinVar:

NM_000719.7(CACNA1C):c.37G>A (p.Glu13Lys)

Gene: CACNA1C (calcium voltage-gated channel subunit alpha1 C; plus strand). Cytogenetic location: 12p13.33.
Variant type: single nucleotide variant.
Coding change: c.37G>A on transcript NM_000719.7 (MANE Select); coding-DNA position 37, G replaced by A.
Protein change: p.Glu13Lys; replaces glutamic acid 13 with lysine.
Molecular consequence: missense variant.
Genome position (GRCh38, 1-based): chr12:2,053,599, G>A. VCF-style: chr12-2053599-G-A. GRCh37 (hg19) VCF-style: chr12-2162765-G-A.
Other names: c.37G>A, p.Glu13Lys (NM_001129833.2, NM_001129834.2, NM_001129835.2 and 19 more transcripts); short protein forms E13K.
Identifiers: ClinVar variation 1308310 (VCV001308310.2), dbSNP rs754656999, ClinGen allele CA6388354.
Genomic context (GRCh38, chr12:2,053,599, plus strand): 5'-TCCTATTAAAACCATTTTTGGTCCATGGTCAATGAGAATACGAGGATGTACATTCCAGAG[G>A]AAAACCACCAAGGTAAGGCTGGACCCCGCCGCCTCGCCGGGGCTCCCTGCCTTTTCCACC-3'
Protein context (NP_000710.5, residues 3-23): NENTRMYIPE[Glu13Lys]NHQGSNYGSP

ClinVar aggregate classification (germline): Uncertain significance (1 of 4 stars; one submission).

Allele frequency attached by ClinVar (database versions not stated): gnomAD exomes 0.00001; ExAC 0.00004.
gnomAD v4.1: 17 of 1,597,208 alleles (0.0011%); highest among the groups gnomAD compares: South Asian, 0.019%; no homozygotes.

Submission:

GeneDx
Classification: Uncertain significance. Last evaluated: 2019-03-26. Review status: criteria provided, single submitter. Criteria: GeneDx Variant Classification Process June 2021. Collection method: clinical testing. Allele origin: germline. Affected: yes.
Comment: Has not been previously published as pathogenic or benign to our knowledge; In silico analysis, which includes protein predictors and evolutionary conservation, supports that this variant does not alter protein structure/function; Not observed in large population cohorts (Lek et al., 2016)